The following is an entry in ClinVar:

ClinVar aggregate classification (germline): Pathogenic (1 of 4 stars; one submission).

Conditions:
RAPSN-related disorder. Also called: RAPSN-related condition; RAPSN-related disorders. Identifiers: MedGen CN239397.

Submission:

Myriad Genetics, Inc.
Classification: Pathogenic for RAPSN-related disorder. Last evaluated: 2023-09-05. Review status: criteria provided, single submitter. Criteria: Myriad Autosomal Dominant, Autosomal Recessive and X-Linked Classification Criteria (2023). Collection method: clinical testing. Allele origin: unknown.
Comment: NM_005055.4(RAPSN):c.578delTinsAA(V193Efs*38) is expected to be pathogenic in the context of RAPSN-related disorders. This variant is predicted to lead to an abnormal or absent protein product due to the creation of a premature termination codon in RAPSN, a gene where loss-of-function variants are known to be pathogenic. Please note: this variant was assessed in the context of healthy population screening.

NM_005055.5(RAPSN):c.578delinsAA (p.Val193fs)

Gene: RAPSN (receptor associated protein of the synapse; minus strand). Cytogenetic location: 11p11.2.
Variant type: Indel.
Coding change: c.578delinsAA on transcript NM_005055.5 (MANE Select); coding-DNA position 578, T replaced by AA.
Protein change: p.Val193fs; shifts the reading frame from valine 193.
Molecular consequence: frameshift variant. On other transcripts: intron variant (4).
Genome position (GRCh38, 1-based): chr11:47,442,768, A replaced by TT on the plus strand (T replaced by AA on the coding strand, the reverse complement: RAPSN is on the minus strand). VCF-style: chr11-47442768-A-TT. GRCh37 (hg19) VCF-style: chr11-47464320-A-TT.
Other names: c.578delinsAA, p.Val193fs (NM_001440490.1, NM_001440491.1, NM_001440492.1 and 8 more transcripts); c.239delinsAA, p.Val80fs (NM_001440504.1); c.532-847delinsAA (NM_001440503.1, NM_001440493.1, NM_001440502.1 and 1 more transcripts); short protein forms V193fs, V80fs.
Identifiers: ClinVar variation 5011563 (VCV005011563.1).